The following is an entry in ClinVar:

ClinVar aggregate classification (germline): Uncertain significance (1 of 4 stars; one submission).

Submission:

Labcorp Genetics (formerly Invitae), Labcorp
Classification: Uncertain significance. Last evaluated: 2023-07-14. Review status: criteria provided, single submitter. Criteria: Invitae Variant Classification Sherloc (09022015). Collection method: clinical testing. Allele origin: germline.
Comment: In summary, the available evidence is currently insufficient to determine the role of this variant in disease. Therefore, it has been classified as a Variant of Uncertain Significance. This variant has not been reported in the literature in individuals affected with DLX6-related conditions. This variant is not present in population databases (gnomAD no frequency). This variant, c.128_129insGCAGCAGCAGCAGCAGCAACAGCAGCAGCAGCAGCAGCAGCAACAGCAGCAGCAGCAGCAGCAGCAACAGCA, results in the insertion of 24 amino acid(s) of the DLX6 protein (p.Gln44_Pro45insGlnGlnGlnGlnGlnGlnGlnGlnGlnGlnGlnGlnGlnGlnGlnGlnGlnGlnGlnGlnGlnGlnGlnGln), but otherwise preserves the integrity of the reading frame.

NM_005222.4(DLX6):c.81GCAGCAGCAGCAGCAGCAACAGCA[5] (p.Gln44_Pro45insGlnGlnGlnGlnGlnGlnGlnGlnGlnGlnGlnGlnGlnGlnGlnGlnGlnGlnGlnGlnGlnGlnGlnGln)

Genes: DLX6 (distal-less homeobox 6; plus strand), DLX6-AS1 (DLX6 antisense RNA 1; minus strand). Cytogenetic location: 7q21.3.
Variant type: Microsatellite.
Coding change: c.81GCAGCAGCAGCAGCAGCAACAGCA[5] on transcript NM_005222.4 (MANE Select); five copies in a row of the 24-base unit GCAGCAGCAGCAGCAGCAACAGCA starting at c.81.
Protein change: p.Gln44_Pro45insGlnGlnGlnGlnGlnGlnGlnGlnGlnGlnGlnGlnGlnGlnGlnGlnGlnGlnGlnGlnGlnGlnGlnGln.
Molecular consequence: inframe insertion.
Genome position: GRCh38, VCF-style position (the base before the change): chr7:97,006,052. GRCh37 (hg19), VCF-style position (the base before the change): chr7:96,635,364.
Identifiers: ClinVar variation 2867465 (VCV002867465.3), dbSNP rs775320932, ClinGen allele CA2511585969.